The following is an entry in ClinVar:

ClinVar aggregate classification (germline): Uncertain significance (1 of 4 stars; one submission).

Submission:

Ambry Genetics
Classification: Uncertain significance. Last evaluated: 2023-02-10. Review status: criteria provided, single submitter. Criteria: Ambry Variant Classification Scheme 2023. Collection method: clinical testing. Allele origin: germline.
Comment: The p.L51M variant (also known as c.151T>A), located in coding exon 1 of the MNDA gene, results from a T to A substitution at nucleotide position 151. The leucine at codon 51 is replaced by methionine, an amino acid with highly similar properties. This amino acid position is conserved. In addition, this alteration is predicted to be tolerated by in silico analysis. Since supporting evidence is limited at this time, the clinical significance of this alteration remains unclear.

NM_002432.3(MNDA):c.151T>A (p.Leu51Met)

Gene: MNDA (myeloid cell nuclear differentiation antigen; plus strand). Cytogenetic location: 1q23.1.
Variant type: single nucleotide variant.
Coding change: c.151T>A on transcript NM_002432.3 (MANE Select); coding-DNA position 151, T replaced by A.
Protein change: p.Leu51Met; replaces leucine 51 with methionine.
Molecular consequence: missense variant.
Genome position (GRCh38, 1-based): chr1:158,842,304, T>A. VCF-style: chr1-158842304-T-A. GRCh37 (hg19) VCF-style: chr1-158812094-T-A.
Other names: short protein forms L51M.
Identifiers: ClinVar variation 2448175 (VCV002448175.2), dbSNP rs2526075135, ClinGen allele CA343036912.